The following is an entry in ClinVar:

NM_001267550.2(TTN):c.55268A>G (p.Lys18423Arg)

Genes: TTN (titin; minus strand), TTN-AS1 (TTN antisense RNA 1; plus strand). Cytogenetic location: 2q31.2.
Variant type: single nucleotide variant.
Coding change: c.55268A>G on transcript NM_001267550.2 (MANE Select); coding-DNA position 55268, A replaced by G.
Protein change: p.Lys18423Arg; replaces lysine 18423 with arginine.
Molecular consequence: missense variant.
Genome position (GRCh38, 1-based): chr2:178,602,003, T>C on the plus strand (A>G on the coding strand, the complement: TTN is on the minus strand). VCF-style: chr2-178602003-T-C. GRCh37 (hg19) VCF-style: chr2-179466730-T-C.
Other names: c.50345A>G, p.Lys16782Arg (NM_001256850.1); c.28073A>G, p.Lys9358Arg (NM_003319.4); c.47564A>G, p.Lys15855Arg (NM_133378.4); c.28448A>G, p.Lys9483Arg (NM_133432.3); c.28649A>G, p.Lys9550Arg (NM_133437.4); short protein forms K15855R, K16782R, K18423R, K9358R, K9483R, K9550R.
Identifiers: ClinVar variation 4855036 (VCV004855036.1).

ClinVar aggregate classification (germline): Uncertain significance (1 of 4 stars; one submission).

Conditions:
Dilated cardiomyopathy 1G (CMD1G). Identifiers: Orphanet 154, MedGen C1858763, MONDO:0011400, OMIM 604145.

gnomAD v4.1: 3 of 1,612,794 alleles (0.00019%); highest among the groups gnomAD compares: Admixed American, 0.005%; no homozygotes.

Submission:

3billion
Classification: Uncertain significance for Dilated cardiomyopathy 1G. Last evaluated: 2025-07-16. Review status: criteria provided, single submitter. Criteria: ACMG Guidelines, 2015. Collection method: clinical testing. Allele origin: germline. Affected: yes.
Comment: The variant is observed at an extremely low frequency in the gnomAD v4.1.0 dataset (total allele frequency: <0.001%). Predicted Consequence/Location: Missense variant. The majority of the known disease-causing variants of this gene are variants expected to result in premature termination of the protein. In silico tool predictions suggest damaging effect of the variant on gene or gene product [3Cnet: 0.99 (> 0.75, sensitivity 0.96 and precision 0.92)]. A different missense change at the same codon (p.Lys18423Asn) has been reported to be associated with TTN-related disorder (ClinVar ID: VCV000047103). However the evidence of pathogenicity is insufficient at this time. Therefore, this variant is classified as VUS according to the recommendation of ACMG/AMP guideline.